The following is an entry in ClinVar:

ClinVar aggregate classification (germline): Likely pathogenic. Review status: criteria provided, multiple submitters, no conflicts (2 of 4 stars). 2 submissions from 2 submitters: Likely pathogenic (2). Last evaluated 2025-10-30.

Conditions:
6-Pyruvoyl-tetrahydrobiopterin synthase deficiency. Also called: BH4-deficient hyperphenylalaninemia A; HYPERPHENYLALANINEMIA, TETRAHYDROBIOPTERIN-DEFICIENT, DUE TO PTS DEFICIENCY; PTS-Related Tetrahydrobiopterin Deficiency; PTS DEFICIENCY; 6-Pyruvoyltetrahydropterin Synthase Deficiency; Hyperphenylalanemia, BH4-deficient, A. Identifiers: Orphanet 13, Orphanet 238583, MedGen C0878676, MONDO:0009863, OMIM 261640.

Submissions (2):

Natera, Inc.
Classification: Likely pathogenic for 6-Pyruvoyl-tetrahydrobiopterin synthase deficiency. Last evaluated: 2025-10-30. Review status: criteria provided, single submitter. Criteria: Natera Variant Classification Schema (03/2026). Collection method: clinical testing. Allele origin: germline.
Comment: The c.407A>G variant in PTS is a missense variant predicted to cause substitution of aspartic acid to glycine at amino acid 136. This variant is rare in the general population with a frequency below the threshold expected for the associated phenotype(s). This variant has been observed in one or more individuals affected with the associated recessive disease, as either homozygous or compound heterozygous with a second variant (PMID: 11388593). A different variant at the same position has been determined to be Pathogenic or Likely Pathogenic. Given the available evidence, this variant is classified as Likely Pathogenic.

Labcorp Genetics (formerly Invitae), Labcorp
Classification: Likely pathogenic for 6-Pyruvoyl-tetrahydrobiopterin synthase deficiency. Last evaluated: 2019-12-23. Review status: criteria provided, single submitter. Criteria: Invitae Variant Classification Sherloc (09022015). Collection method: clinical testing. Allele origin: germline.
Comment: This sequence change replaces aspartic acid with glycine at codon 136 of the PTS protein (p.Asp136Gly). The aspartic acid residue is highly conserved and there is a moderate physicochemical difference between aspartic acid and glycine. This variant is not present in population databases (ExAC no frequency). This variant has been observed in combination with another PTS variant in an individual affected with hyperphenylalaninemia (PMID: 11388593). Algorithms developed to predict the effect of missense changes on protein structure and function (SIFT, PolyPhen-2, Align-GVGD) all suggest that this variant is likely to be tolerated, but these predictions have not been confirmed by published functional studies and their clinical significance is uncertain. This variant disrupts the p.Asp136 amino acid residue in PTS. Other variant(s) that disrupt this residue have been determined to be pathogenic (PMID: 11388593, 9222757, 25418970). This suggests that this residue is clinically significant, and that variants that disrupt this residue are likely to be disease-causing. In summary, the currently available evidence indicates that the variant is pathogenic, but additional data are needed to prove that conclusively. Therefore, this variant has been classified as Likely Pathogenic.

Literature cited by the submitters: PubMed 11388593 (cited by Natera, Inc. and Labcorp Genetics (formerly Invitae), Labcorp); PubMed 9222757 (cited by Labcorp Genetics (formerly Invitae), Labcorp); PubMed 25418970 (cited by Labcorp Genetics (formerly Invitae), Labcorp).

NM_000317.3(PTS):c.407A>G (p.Asp136Gly)

Gene: PTS (6-pyruvoyltetrahydropterin synthase; plus strand). Cytogenetic location: 11q23.1.
Variant type: single nucleotide variant.
Coding change: c.407A>G on transcript NM_000317.3 (MANE Select); coding-DNA position 407, A replaced by G.
Protein change: p.Asp136Gly; replaces aspartic acid 136 with glycine.
Molecular consequence: missense variant.
Genome position (GRCh38, 1-based): chr11:112,233,524, A>G. VCF-style: chr11-112233524-A-G. GRCh37 (hg19) VCF-style: chr11-112104247-A-G.
Other names: short protein forms D136G.
Identifiers: ClinVar variation 862227 (VCV000862227.9), dbSNP rs1859972447, ClinGen allele CA382628138.